The following is an entry in ClinVar:

ClinVar aggregate classification (germline): Likely benign (0 of 4 stars; one submission).

Conditions:
ADRA2B-related disorder. Also called: ADRA2B-related condition.

Allele frequency attached by ClinVar (database versions not stated): ExAC 0.00001; gnomAD exomes 0.00001.

Submission:

PreventionGenetics, part of Exact Sciences
Classification: Likely benign for ADRA2B-related condition. Last evaluated: 2021-02-22. Review status: no assertion criteria provided. Collection method: clinical testing. Allele origin: germline.
Comment: This variant is classified as likely benign based on ACMG/AMP sequence variant interpretation guidelines (Richards et al. 2015 PMID: 25741868, with internal and published modifications).

NM_000682.7(ADRA2B):c.483C>T (p.Arg161=)

Gene: ADRA2B (adrenoceptor alpha 2B; minus strand). Cytogenetic location: 2q11.2.
Variant type: single nucleotide variant.
Coding change: c.483C>T on transcript NM_000682.7 (MANE Select); coding-DNA position 483, C replaced by T.
Protein change: p.Arg161=; no amino-acid change (arginine 161 retained).
Molecular consequence: synonymous variant.
Genome position (GRCh38, 1-based): chr2:96,115,667, G>A on the plus strand (C>T on the coding strand, the complement: ADRA2B is on the minus strand). VCF-style: chr2-96115667-G-A. GRCh37 (hg19) VCF-style: chr2-96781406-G-A.
Identifiers: ClinVar variation 3031914 (VCV003031914.2), dbSNP rs749124572, ClinGen allele CA1775987.